The following is an entry in ClinVar:

NM_000545.8(HNF1A):c.42_51delinsTG (p.Ala15fs)

Gene: HNF1A (HNF1 homeobox A; plus strand). Cytogenetic location: 12q24.31.
Variant type: Indel.
Coding change: c.42_51delinsTG on transcript NM_000545.8 (MANE Select); coding-DNA positions 42 to 51, GGCCCTGCTC replaced by TG.
Protein change: p.Ala15fs; shifts the reading frame from alanine 15.
Molecular consequence: frameshift variant.
Genome position (GRCh38, 1-based): chr12:120,978,810-120,978,819, GGCCCTGCTC replaced by TG. VCF-style: chr12-120978810-GGCCCTGCTC-TG. GRCh37 (hg19) VCF-style: chr12-121416613-GGCCCTGCTC-TG.
Other names: NM_001306179.2:c.42_51delinsTG; c.42_51delinsTG, p.Ala15fs (NM_001306179.2); short protein forms A15fs.
Identifiers: ClinVar variation 1675053 (VCV001675053.3), dbSNP rs2135819438, ClinGen allele CA2573051031.
Genomic context (GRCh38, chr12:120,978,810, plus strand): 5'-GCCCTGTGGCAGCCGAGCCATGGTTTCTAAACTGAGCCAGCTGCAGACGGAGCTCCTGGC[GGCCCTGCTC>TG]GAGTCAGGGCTGAGCAAAGAGGCACTGATCCAGGCACTGGGTGAGCCGGGGCCCTACCTC-3'

ClinVar aggregate classification (germline): Pathogenic (3 of 4 stars; one submission).

Conditions:
Monogenic diabetes. Identifiers: Orphanet 183625, MedGen C3888631, MONDO:0015967.

Submission:

ClinGen Monogenic Diabetes Variant Curation Expert Panel
Classification: Pathogenic for Monogenic diabetes. Last evaluated: 2022-03-31. Review status: reviewed by expert panel. Criteria: ClinGen Diabetes ACMG Specifications v1 1. Collection method: curation. Allele origin: germline. Inheritance: Autosomal dominant inheritance.
Comment: The c.42_51delGGCCCTGCTCinsTG variant in the HNF1 homeobox A gene, HNF1A, causes a frameshift in the protein at codon 15 (NM_000545.8), adding 15 novel amino acids before encountering a stop codon (p.(Ala15GlyfsTer15)). This variant, located in biologically-relevant exon 1 of 10, is predicted to lead to nonsense mediated decay in a gene in which loss-of-function is an established disease mechanism (PVS1; PMID:23348805). Additionally, this variant is absent from gnomAD v2.1.1 (PM2_Supporting). In summary, c.42_51delGGCCCTGCTCinsTG meets the criteria to be classified as pathogenic for monogenic diabetes. ACMG/AMP criteria applied, as specified by the ClinGen MDEP (specification version 1.0, approved 9/30/21): PVS1, PM2_Supporting, PP4_Moderate.